The following is an entry in ClinVar:

ClinVar aggregate classification (germline): Likely pathogenic (1 of 4 stars; one submission).

Conditions:
Isovaleryl-CoA dehydrogenase deficiency (IVA). Also called: Classic Isovaleric Acidemia; Isovaleric acidemia; ISOVALERIC ACID CoA DEHYDROGENASE DEFICIENCY; IVD DEFICIENCY. Identifiers: Orphanet 33, MedGen C0268575, MONDO:0009475, OMIM 243500.

Submission:

Myriad Genetics, Inc.
Classification: Likely pathogenic for Isovaleryl-CoA dehydrogenase deficiency. Last evaluated: 2026-01-22. Review status: criteria provided, single submitter. Criteria: Myriad Autosomal Dominant, Autosomal Recessive and X-Linked Classification Criteria (2023). Collection method: clinical testing. Allele origin: unknown.
Comment: NM_002225.3(IVD):c.153+2T>G is a variant in a canonical splice site classified as likely pathogenic in the context of isovaleric acidemia. c.153+2T>G has not been observed in cases with relevant disease. Relevant functional assessments of this variant are not available in the literature. c.153+2T>G has not been observed in referenced population frequency databases. In summary, NM_002225.3(IVD):c.153+2T>G is a variant in a canonical splice site in a gene where loss of function is a known mechanism of disease and is predicted to disrupt protein function. Please note: this variant was assessed in the context of healthy population screening.

NM_002225.5(IVD):c.144+2T>G

Gene: IVD (isovaleryl-CoA dehydrogenase; plus strand). Cytogenetic location: 15q15.1.
Variant type: single nucleotide variant.
Coding change: c.144+2T>G on transcript NM_002225.5 (MANE Select); the canonical splice donor site of the intron after coding-DNA position 144, T replaced by G.
Molecular consequence: splice donor variant. On other transcripts: 5 prime UTR variant (1), non-coding transcript variant (1).
Genome position (GRCh38, 1-based): chr15:40,405,973, T>G. VCF-style: chr15-40405973-T-G. GRCh37 (hg19) VCF-style: chr15-40698174-T-G.
Other names: c.-282T>G (NM_001354597.3); c.144+2T>G (NM_001354600.3, NM_001354598.3, NM_001354601.3 and 2 more transcripts).
Identifiers: ClinVar variation 5003593 (VCV005003593.1).